The following is an entry in ClinVar:

ClinVar aggregate classification (germline): Uncertain significance. Review status: criteria provided, multiple submitters, no conflicts (2 of 4 stars). 3 submissions from 3 submitters: Uncertain significance (3). Last evaluated 2024-05-30.

Conditions:
Intellectual developmental disorder with poor growth and with or without seizures or ataxia. Identifiers: MedGen C5394135, MONDO:0032930, OMIM 618808.

Allele frequency attached by ClinVar (database versions not stated): gnomAD 0.00003 and 0.00004; TOPMed 0.00004.
gnomAD v4.1: 44 of 1,610,822 alleles (0.0027%); highest among the groups gnomAD compares: Middle Eastern, 0.016%; no homozygotes.

Submissions (3):

Ambry Genetics
Classification: Uncertain significance. Last evaluated: 2024-05-30. Review status: criteria provided, single submitter. Criteria: Ambry Variant Classification Scheme 2023. Collection method: clinical testing. Allele origin: germline.

New York Genome Center
Classification: Uncertain significance for Intellectual developmental disorder with poor growth and with or without seizures or ataxia. Last evaluated: 2021-08-12. Review status: criteria provided, single submitter. Criteria: NYGC Assertion Criteria 2020. Collection method: clinical testing. Allele origin: inherited. Observed: 1 heterozygote. Study: CSER-NYCKidSeq.

Juno Genomics, Hangzhou Juno Genomics, Inc
Classification: Uncertain significance for Intellectual developmental disorder with poor growth and with or without seizures or ataxia. Review status: criteria provided, single submitter. Criteria: ACMG Guidelines, 2015. Collection method: clinical testing. Allele origin: germline.
Comment: Absent from controls (or at extremely low frequency if recessive) in Genome Aggregation Database.;Missense variant in a gene that has a low rate of benign missense variation.

NM_001606.5(ABCA2):c.4148G>A (p.Arg1383His)

Gene: ABCA2 (ATP binding cassette subfamily A member 2; minus strand). Cytogenetic location: 9q34.3.
Variant type: single nucleotide variant.
Coding change: c.4148G>A on transcript NM_001606.5 (MANE Select); coding-DNA position 4148, G replaced by A.
Protein change: p.Arg1383His; replaces arginine 1383 with histidine.
Molecular consequence: missense variant.
Genome position (GRCh38, 1-based): chr9:137,014,260, C>T on the plus strand (G>A on the coding strand, the complement: ABCA2 is on the minus strand). VCF-style: chr9-137014260-C-T. GRCh37 (hg19) VCF-style: chr9-139908712-C-T.
Other names: c.4238G>A (NM_212533.2); c.4238G>A, p.Arg1413His (NM_212533.3); short protein forms R1383H, R1413H.
Identifiers: ClinVar variation 1701745 (VCV001701745.4), dbSNP rs772864842, ClinGen allele CA5354505.